The following is an entry in ClinVar:

ClinVar aggregate classification (germline): Benign/Likely benign. Review status: criteria provided, multiple submitters, no conflicts (2 of 4 stars). 6 submissions from 6 submitters: Benign (4); Likely benign (1). 1 of the submissions does not count toward it. Last evaluated 2026-02-03.

Conditions:
KMT2B-related disorder. Also called: KMT2B-related condition; KMT2B-related disorders. Identifiers: MedGen CN381338.
Dystonia 28, childhood-onset (DYT28). Also called: KMT2B-Related Dystonia (DYT-KMT2B). Identifiers: Orphanet 589618, MedGen C4310633, MONDO:0015004, OMIM 617284.

Allele frequency attached by ClinVar (database versions not stated): TOPMed 0.14098; ESP Exome Variant Server 0.14304; gnomAD 0.14594 and 0.15052; gnomAD exomes 0.14621 and 0.15209; ExAC 0.15834; 1000 Genomes Project 30x 0.17473; 1000 Genomes Project 0.17812.

Submissions (6):

Labcorp Genetics (formerly Invitae), Labcorp
Classification: Benign. Last evaluated: 2026-02-03. Review status: criteria provided, single submitter. Criteria: Invitae Variant Classification Sherloc (09022015). Collection method: clinical testing. Allele origin: germline.

Blueprint Genetics
Classification: Likely benign. Last evaluated: 2024-11-28. Review status: criteria provided, single submitter. Criteria: ACMG Guidelines, 2015. Collection method: clinical testing. Allele origin: germline.

Genome-Nilou Lab
Classification: Benign for Dystonia 28, childhood-onset. Last evaluated: 2021-08-19. Review status: criteria provided, single submitter. Criteria: ACMG Guidelines, 2015. Collection method: clinical testing. Allele origin: germline. Affected: no.

GeneDx
Classification: Benign. Last evaluated: 2018-07-05. Review status: criteria provided, single submitter. Criteria: GeneDx Variant Classification Process June 2021. Collection method: clinical testing. Allele origin: germline. Affected: yes.

Breakthrough Genomics
Classification: Benign. Review status: criteria provided, single submitter. Criteria: ACMG Guidelines, 2015. Collection method: not provided. Allele origin: germline. Inheritance: Autosomal dominant inheritance. Affected: yes.

PreventionGenetics, part of Exact Sciences
Classification: Benign for KMT2B-related condition. Last evaluated: 2019-10-21. Review status: no assertion criteria provided. Collection method: clinical testing. Allele origin: germline. Not counted in ClinVar's aggregate classification.
Comment: This variant is classified as benign based on ACMG/AMP sequence variant interpretation guidelines (Richards et al. 2015 PMID: 25741868, with internal and published modifications).

NM_014727.3(KMT2B):c.4257C>T (p.Gly1419=)

Gene: KMT2B (lysine methyltransferase 2B; plus strand). Cytogenetic location: 19q13.12.
Variant type: single nucleotide variant.
Coding change: c.4257C>T on transcript NM_014727.3 (MANE Select); coding-DNA position 4257, C replaced by T.
Protein change: p.Gly1419=; no amino-acid change (glycine 1419 retained).
Molecular consequence: synonymous variant.
Genome position (GRCh38, 1-based): chr19:35,727,577, C>T. VCF-style: chr19-35727577-C-T. GRCh37 (hg19) VCF-style: chr19-36218478-C-T.
Identifiers: ClinVar variation 1230475 (VCV001230475.17), dbSNP rs11670414, ClinGen allele CA9385018.